The following is an entry in ClinVar:

ClinVar aggregate classification (germline): Benign/Likely benign. Review status: criteria provided, multiple submitters, no conflicts (2 of 4 stars). 4 submissions from 4 submitters: Benign (1); Likely benign (3). Last evaluated 2026-04-01.

Allele frequency attached by ClinVar (database versions not stated): ExAC 0.00153; 1000 Genomes Project 0.00280; 1000 Genomes Project 30x 0.00281; ESP Exome Variant Server 0.00285; gnomAD 0.00302 and 0.00333; TOPMed 0.00334.
gnomAD v4.1: 954 of 1,600,010 alleles (0.06%); highest among the groups gnomAD compares: African/African-American, 1.1%; 6 homozygotes.

Submissions (4):

CeGaT Center for Human Genetics Tuebingen
Classification: Likely benign. Last evaluated: 2026-04-01. Review status: criteria provided, single submitter. Criteria: CeGaT Center For Human Genetics Tuebingen Variant Classification Criteria Version 2. Collection method: clinical testing. Allele origin: germline. Affected: yes. Observed: 2 variant alleles.
Comment: HSPG2: BP4, BS1

Labcorp Genetics (formerly Invitae), Labcorp
Classification: Benign. Last evaluated: 2025-11-24. Review status: criteria provided, single submitter. Criteria: Invitae Variant Classification Sherloc (09022015). Collection method: clinical testing. Allele origin: germline.

Blueprint Genetics
Classification: Likely benign. Last evaluated: 2024-11-13. Review status: criteria provided, single submitter. Criteria: ACMG Guidelines, 2015. Collection method: clinical testing. Allele origin: germline.

ARUP Laboratories, Molecular Genetics and Genomics, ARUP Laboratories
Classification: Likely benign. Last evaluated: 2023-05-02. Review status: criteria provided, single submitter. Criteria: ARUP Molecular Germline Variant Investigation Process 2024. Collection method: clinical testing. Allele origin: germline.

NM_005529.7(HSPG2):c.1959A>C (p.Gln653His)

Gene: HSPG2 (heparan sulfate proteoglycan 2; minus strand). Cytogenetic location: 1p36.12.
Variant type: single nucleotide variant.
Coding change: c.1959A>C on transcript NM_005529.7 (MANE Select); coding-DNA position 1959, A replaced by C.
Protein change: p.Gln653His; replaces glutamine 653 with histidine.
Molecular consequence: missense variant.
Genome position (GRCh38, 1-based): chr1:21,880,695, T>G on the plus strand (A>C on the coding strand, the complement: HSPG2 is on the minus strand). VCF-style: chr1-21880695-T-G. GRCh37 (hg19) VCF-style: chr1-22207188-T-G.
Other names: c.1962A>C, p.Gln654His (NM_001291860.2); short protein forms Q653H, Q654H.
Identifiers: ClinVar variation 618682 (VCV000618682.29), dbSNP rs62642535, ClinGen allele CA673235.